The following is an entry in ClinVar:

ClinVar aggregate classification (germline): Pathogenic. Review status: criteria provided, multiple submitters, no conflicts (2 of 4 stars). 2 submissions from 2 submitters: Pathogenic (2). Last evaluated 2024-05-08.

Conditions:
Nemaline myopathy 2 (NEM2). Also called: Nemaline myopathy 2, autosomal recessive. Identifiers: MedGen C1850569, MONDO:0009725, OMIM 256030.

Submissions (2):

Myriad Genetics, Inc.
Classification: Pathogenic for Nemaline myopathy 2. Last evaluated: 2024-05-08. Review status: criteria provided, single submitter. Criteria: Myriad Autosomal Dominant, Autosomal Recessive and X-Linked Classification Criteria (2023). Collection method: clinical testing. Allele origin: unknown.
Comment: NM_001271208.1(NEB):c.21070delC(H7024Tfs*12) is expected to be pathogenic in the context of NEB-related nemaline myopathy. This variant is predicted to lead to an abnormal or absent protein product due to the creation of a premature termination codon in NEB, a gene where loss-of-function variants are known to be pathogenic. Please note: this variant was assessed in the context of healthy population screening.

Labcorp Genetics (formerly Invitae), Labcorp
Classification: Pathogenic for Nemaline myopathy 2. Last evaluated: 2022-05-03. Review status: criteria provided, single submitter. Criteria: Invitae Variant Classification Sherloc (09022015). Collection method: clinical testing. Allele origin: germline.
Comment: For these reasons, this variant has been classified as Pathogenic. This variant has not been reported in the literature in individuals affected with NEB-related conditions. This variant is not present in population databases (gnomAD no frequency). This sequence change creates a premature translational stop signal (p.His7024Thrfs*12) in the NEB gene. It is expected to result in an absent or disrupted protein product. Loss-of-function variants in NEB are known to be pathogenic (PMID: 25205138).

Literature cited by the submitters: PubMed 25205138 (cited by Labcorp Genetics (formerly Invitae), Labcorp).

NM_001164508.2(NEB):c.21070del (p.His7024fs)

Gene: NEB (nebulin; minus strand). Cytogenetic location: 2q23.3.
Variant type: Deletion.
Coding change: c.21070del on transcript NM_001164508.2 (MANE Select); coding-DNA position 21070, one base deleted (C; older notation c.21070delC).
Protein change: p.His7024fs; shifts the reading frame from histidine 7024.
Molecular consequence: frameshift variant.
Genome position (GRCh38, 1-based): chr2:151,537,904, G deleted on the plus strand (C on the coding strand, the reverse complement: NEB is on the minus strand); the first of 2 consecutive G bases (chr2:151,537,904-151,537,905); deleting either gives the same sequence. VCF-style (leftmost placement, unchanged base first): chr2-151537903-TG-T. GRCh37 (hg19) VCF-style: chr2-152394417-TG-T.
Other names: c.21070del, p.His7024fs (NM_001164507.2, NM_001271208.2); c.15967del, p.His5323fs (NM_004543.5); short protein forms H7024fs, H5323fs.
Identifiers: ClinVar variation 2130566 (VCV002130566.5), dbSNP rs2552150622, ClinGen allele CA2580063917.